The following is an entry in ClinVar:

NM_016169.4(SUFU):c.568A>G (p.Thr190Ala)

Gene: SUFU (SUFU negative regulator of hedgehog signaling; plus strand). Cytogenetic location: 10q24.32.
Variant type: single nucleotide variant.
Coding change: c.568A>G on transcript NM_016169.4 (MANE Select); coding-DNA position 568, A replaced by G.
Protein change: p.Thr190Ala; replaces threonine 190 with alanine.
Molecular consequence: missense variant.
Genome position (GRCh38, 1-based): chr10:102,592,695, A>G. VCF-style: chr10-102592695-A-G. GRCh37 (hg19) VCF-style: chr10-104352452-A-G.
Other names: c.568A>G, p.Thr190Ala (NM_001178133.2); short protein forms T190A.
Identifiers: ClinVar variation 3226889 (VCV003226889.1), dbSNP rs2545081464, ClinGen allele CA377908611.

ClinVar aggregate classification (germline): Uncertain significance (1 of 4 stars; one submission).

Conditions:
Hereditary cancer-predisposing syndrome. Also called: Neoplastic Syndromes, Hereditary; Tumor predisposition; Hereditary neoplastic syndrome; Hereditary Cancer Syndrome. Identifiers: Orphanet 140162, MedGen C0027672, MeSH D009386, MONDO:0015356.

Submission:

Ambry Genetics
Classification: Uncertain significance for Hereditary cancer-predisposing syndrome. Last evaluated: 2023-12-20. Review status: criteria provided, single submitter. Criteria: Ambry Variant Classification Scheme 2023. Collection method: clinical testing. Allele origin: germline.
Comment: The p.T190A variant (also known as c.568A>G), located in coding exon 4 of the SUFU gene, results from an A to G substitution at nucleotide position 568. The threonine at codon 190 is replaced by alanine, an amino acid with similar properties. This amino acid position is conserved. In addition, this alteration is predicted to be deleterious by in silico analysis. Since supporting evidence is limited at this time, the clinical significance of this alteration remains unclear.